The following is an entry in ClinVar:

NM_144997.7(FLCN):c.701A>G (p.Asn234Ser)

Gene: FLCN (folliculin; minus strand). Cytogenetic location: 17p11.2.
Variant type: single nucleotide variant.
Coding change: c.701A>G on transcript NM_144997.7 (MANE Select); coding-DNA position 701, A replaced by G.
Protein change: p.Asn234Ser; replaces asparagine 234 with serine.
Molecular consequence: missense variant.
Genome position (GRCh38, 1-based): chr17:17,222,579, T>C on the plus strand (A>G on the coding strand, the complement: FLCN is on the minus strand). VCF-style: chr17-17222579-T-C. GRCh37 (hg19) VCF-style: chr17-17125893-T-C.
Other names: c.755A>G, p.Asn252Ser (NM_001353229.2); c.701A>G, p.Asn234Ser (NM_001353230.2, NM_001353231.2, NM_144606.7); short protein forms N252S, N234S.
Identifiers: ClinVar variation 1756707 (VCV001756707.3), dbSNP rs2544233859, ClinGen allele CA398533971.

ClinVar aggregate classification (germline): Uncertain significance (1 of 4 stars; one submission).

Conditions:
Hereditary cancer-predisposing syndrome. Also called: Neoplastic Syndromes, Hereditary; Tumor predisposition; Hereditary Cancer Syndrome; Hereditary neoplastic syndrome. Identifiers: Orphanet 140162, MedGen C0027672, MeSH D009386, MONDO:0015356.

Submission:

Ambry Genetics
Classification: Uncertain significance for Hereditary cancer-predisposing syndrome. Last evaluated: 2025-08-28. Review status: criteria provided, single submitter. Criteria: Ambry Variant Classification Scheme 2023. Collection method: clinical testing. Allele origin: germline.
Comment: The p.N234S variant (also known as c.701A>G), located in coding exon 4 of the FLCN gene, results from an A to G substitution at nucleotide position 701. The asparagine at codon 234 is replaced by serine, an amino acid with highly similar properties. This amino acid position is conserved. In addition, this alteration is predicted to be tolerated by in silico analysis. Since supporting evidence is limited at this time, the clinical significance of this alteration remains unclear.